The following is an entry in ClinVar:

NM_001303457.2(TTI1):c.2011G>A (p.Ala671Thr)

Gene: TTI1 (TELO2 interacting protein 1; minus strand). Cytogenetic location: 20q11.23.
Variant type: single nucleotide variant.
Coding change: c.2011G>A on transcript NM_001303457.2 (MANE Select); coding-DNA position 2011, G replaced by A.
Protein change: p.Ala671Thr; replaces alanine 671 with threonine.
Molecular consequence: missense variant.
Genome position (GRCh38, 1-based): chr20:38,011,806, C>T on the plus strand (G>A on the coding strand, the complement: TTI1 is on the minus strand). VCF-style: chr20-38011806-C-T. GRCh37 (hg19) VCF-style: chr20-36640208-C-T.
Other names: c.2011G>A, p.Ala671Thr (NM_014657.3); short protein forms A671T.
Identifiers: ClinVar variation 3336834 (VCV003336834.2).
Genomic context (GRCh38, chr20:38,011,806, plus strand): 5'-TCAGGTGCTGCAGGGAGTCGTAGCCACAAGCACGGCAAACGTCCATCATGGTGCTGGTAG[C>T]CACCTGACTAATGAGTAGGGTTTGGTCTCCAGCCTTCTCCAGTACTGGATAAAGGGCTGA-3'
Protein context (NP_001290386.1, residues 661-681): GDQTLLISQV[Ala671Thr]TSTMMDVCRA

ClinVar aggregate classification (germline): Likely pathogenic (1 of 4 stars; one submission).

Conditions:
Neurodevelopmental disorder with microcephaly and movement abnormalities (NEDMIM). Identifiers: MedGen C5830624, MONDO:0957531, OMIM 620445.

gnomAD v4.1: 2 of 1,614,094 alleles (0.00012%); highest among the groups gnomAD compares: Non-Finnish European, 0.00017%; no homozygotes.

Submission:

Center for Human Genetics and Genomic Medicine, Uniklinik Rwth Aachen
Classification: Likely pathogenic for Neurodevelopmental disorder with microcephaly and movement abnormalities. Last evaluated: 2024-08-13. Review status: criteria provided, single submitter. Criteria: ACMG Guidelines, 2015. Collection method: clinical testing. Allele origin: biparental. Inheritance: Autosomal recessive inheritance. Affected: yes. Observed: 1 homozygote.
Comment: The variant has a very low allele frequency in databases, and it is not reported in the literature. Bioinformatic prediction tools indicate a possible pathogenicity of the variante. We classified the variant as likely pathogenic.